The following is an entry in ClinVar:

NM_001364905.1(LRBA):c.1246G>A (p.Ala416Thr)

Gene: LRBA (LPS responsive beige-like anchor protein; minus strand). Cytogenetic location: 4q31.3.
Variant type: single nucleotide variant.
Coding change: c.1246G>A on transcript NM_001364905.1 (MANE Select); coding-DNA position 1246, G replaced by A.
Protein change: p.Ala416Thr; replaces alanine 416 with threonine.
Molecular consequence: missense variant.
Genome position (GRCh38, 1-based): chr4:150,908,773, C>T on the plus strand (G>A on the coding strand, the complement: LRBA is on the minus strand). VCF-style: chr4-150908773-C-T. GRCh37 (hg19) VCF-style: chr4-151829925-C-T.
Other names: c.1246G>A, p.Ala416Thr (NM_001199282.3, NM_001367550.1, NM_006726.5); short protein forms A416T.
Identifiers: ClinVar variation 1444449 (VCV001444449.9), dbSNP rs748561316, ClinGen allele CA3103630.

ClinVar aggregate classification (germline): Uncertain significance (1 of 4 stars; one submission).

Conditions:
Combined immunodeficiency due to LRBA deficiency. Also called: Common variable immunodeficiency 8, with autoimmunity. Identifiers: Orphanet 445018, MedGen C3553512, MONDO:0013863, OMIM 614700.

Allele frequency attached by ClinVar (database versions not stated): ExAC 0.00001; gnomAD exomes 0.00001; gnomAD 0.00005 and 0.00006; TOPMed 0.00006.
gnomAD v4.1: 17 of 1,613,648 alleles (0.0011%); highest among the groups gnomAD compares: African/African-American, 0.023%; no homozygotes.

Submission:

Labcorp Genetics (formerly Invitae), Labcorp
Classification: Uncertain significance for Combined immunodeficiency due to LRBA deficiency. Last evaluated: 2025-01-20. Review status: criteria provided, single submitter. Criteria: Invitae Variant Classification Sherloc (09022015). Collection method: clinical testing. Allele origin: germline.
Comment: This sequence change replaces alanine, which is neutral and non-polar, with threonine, which is neutral and polar, at codon 416 of the LRBA protein (p.Ala416Thr). This variant is present in population databases (rs748561316, gnomAD 0.01%). This variant has not been reported in the literature in individuals affected with LRBA-related conditions. ClinVar contains an entry for this variant (Variation ID: 1444449). Invitae Evidence Modeling of protein sequence and biophysical properties (such as structural, functional, and spatial information, amino acid conservation, physicochemical variation, residue mobility, and thermodynamic stability) indicates that this missense variant is not expected to disrupt LRBA protein function with a negative predictive value of 80%. In summary, the available evidence is currently insufficient to determine the role of this variant in disease. Therefore, it has been classified as a Variant of Uncertain Significance.